The following is an entry in ClinVar:

NM_174878.3(CLRN1):c.40G>A (p.Gly14Arg)

Gene: CLRN1 (clarin 1; minus strand). Cytogenetic location: 3q25.1.
Variant type: single nucleotide variant.
Coding change: c.40G>A on transcript NM_174878.3 (MANE Select); coding-DNA position 40, G replaced by A.
Protein change: p.Gly14Arg; replaces glycine 14 with arginine.
Molecular consequence: missense variant. On other transcripts: non-coding transcript variant (1).
Genome position (GRCh38, 1-based): chr3:150,972,669, C>T on the plus strand (G>A on the coding strand, the complement: CLRN1 is on the minus strand). VCF-style: chr3-150972669-C-T. GRCh37 (hg19) VCF-style: chr3-150690456-C-T.
Other names: c.40G>A, p.Gly14Arg (NM_001195794.1, NM_001256819.2); short protein forms G14R.
Identifiers: ClinVar variation 961287 (VCV000961287.8), dbSNP rs1553776112, ClinGen allele CA355012180.

ClinVar aggregate classification (germline): Uncertain significance. Review status: criteria provided, single submitter (1 of 4 stars). 2 submissions from 2 submitters: Uncertain significance (1). 1 of the submissions does not count toward it. Last evaluated 2025-11-28.

Conditions:
Usher syndrome type 3. Also called: Usher Syndrome, Type III. Identifiers: Orphanet 231183, MedGen C1568248, MONDO:0016485.

gnomAD v4.1: 2 of 1,614,162 alleles (0.00012%); highest among the groups gnomAD compares: Non-Finnish European, 0.000085%; no homozygotes.

Submissions (2):

Labcorp Genetics (formerly Invitae), Labcorp
Classification: Uncertain significance. Last evaluated: 2025-11-28. Review status: criteria provided, single submitter. Criteria: Invitae Variant Classification Sherloc (09022015). Collection method: clinical testing. Allele origin: germline.
Comment: This sequence change replaces glycine, which is neutral and non-polar, with arginine, which is basic and polar, at codon 14 of the CLRN1 protein (p.Gly14Arg). This variant is not present in population databases (gnomAD no frequency). This variant has not been reported in the literature in individuals affected with CLRN1-related conditions. ClinVar contains an entry for this variant (Variation ID: 961287). An algorithm developed to predict the effect of missense changes on protein structure and function (PolyPhen-2) suggests that this variant is likely to be disruptive. In summary, the available evidence is currently insufficient to determine the role of this variant in disease. Therefore, it has been classified as a Variant of Uncertain Significance.

Natera, Inc.
Classification: Uncertain significance for Usher syndrome type 3. Last evaluated: 2020-04-06. Review status: no assertion criteria provided. Collection method: clinical testing. Allele origin: germline. Not counted in ClinVar's aggregate classification.